The following is an entry in ClinVar:

NM_001367823.1(ARHGEF18):c.3466G>A (p.Asp1156Asn)

Gene: ARHGEF18 (Rho/Rac guanine nucleotide exchange factor 18; plus strand). Cytogenetic location: 19p13.2.
Variant type: single nucleotide variant.
Coding change: c.3466G>A on transcript NM_001367823.1 (MANE Select); coding-DNA position 3466, G replaced by A.
Protein change: p.Asp1156Asn; replaces aspartic acid 1156 with asparagine.
Molecular consequence: missense variant.
Genome position (GRCh38, 1-based): chr19:7,467,670, G>A. VCF-style: chr19-7467670-G-A. GRCh37 (hg19) VCF-style: chr19-7532556-G-A.
Other names: c.2740G>A, p.Asp914Asn (NM_001130955.2); c.2428G>A, p.Asp810Asn (NM_001367824.1, NM_015318.4); short protein forms D1156N, D810N, D914N.
Identifiers: ClinVar variation 1510010 (VCV001510010.7), dbSNP rs140818753, ClinGen allele CA304856658.

ClinVar aggregate classification (germline): Uncertain significance (1 of 4 stars; one submission).

Allele frequency attached by ClinVar (database versions not stated): gnomAD exomes 0.00001 and 0.00002; gnomAD 0.00002 and 0.00004; TOPMed 0.00002; 1000 Genomes Project 30x 0.00016.
gnomAD v4.1: 20 of 1,508,640 alleles (0.0013%); highest among the groups gnomAD compares: South Asian, 0.011%; no homozygotes.

Submission:

Labcorp Genetics (formerly Invitae), Labcorp
Classification: Uncertain significance. Last evaluated: 2023-08-04. Review status: criteria provided, single submitter. Criteria: Invitae Variant Classification Sherloc (09022015). Collection method: clinical testing. Allele origin: germline.
Comment: This sequence change replaces aspartic acid, which is acidic and polar, with asparagine, which is neutral and polar, at codon 968 of the ARHGEF18 protein (p.Asp968Asn). The frequency data for this variant in the population databases is considered unreliable, as metrics indicate poor data quality at this position in the gnomAD database. This variant has not been reported in the literature in individuals affected with ARHGEF18-related conditions. ClinVar contains an entry for this variant (Variation ID: 1510010). An algorithm developed to predict the effect of missense changes on protein structure and function (PolyPhen-2) suggests that this variant¬†is likely to be tolerated. In summary, the available evidence is currently insufficient to determine the role of this variant in disease. Therefore, it has been classified as a Variant of Uncertain Significance.